The following is an entry in ClinVar:

ClinVar aggregate classification (germline): Uncertain significance (1 of 4 stars; one submission).

Conditions:
MELAS syndrome (MELAS). Also called: Juvenile myopathy, encephalopathy, lactic acidosis, stroke. Identifiers: Orphanet 550, MedGen C0162671, MONDO:0010789, OMIM 540000.

Submission:

Wong Mito Lab, Molecular and Human Genetics, Baylor College of Medicine
Classification: Uncertain significance for MELAS syndrome. Last evaluated: 2019-07-12. Review status: criteria provided, single submitter. Criteria: Modified ACMG Guidelines (Unpublished). Collection method: clinical testing. Allele origin: germline.
Comment: The NC_012920.1:m.5852T>C variant in MT-TY gene is interpreted to be a Unknown Significance variant based on the modified ACMG guidelines (unpublished). This variant meets the following evidence codes reported in the guidelines: BP4, PP6, PP7

Literature cited by the submitters: PubMed 31965079.

NC_012920.1(MT-TY):m.5852T>C

Gene: MT-TY (mitochondrially encoded tRNA tyrosine; minus strand).
Variant type: single nucleotide variant.
Genome position: chrM-5852-T-C.
Identifiers: ClinVar variation 690016 (VCV000690016.1), dbSNP rs1603220153, ClinGen allele CA913180668.